The following is an entry in ClinVar:

ClinVar aggregate classification (germline): Uncertain significance. Review status: criteria provided, multiple submitters, no conflicts (2 of 4 stars). 5 submissions from 5 submitters: Uncertain significance (4). 1 of the submissions does not count toward it. Last evaluated 2025-03-23.

Conditions:
Cardiovascular phenotype. Identifiers: MedGen CN230736.
Spinocerebellar ataxia type 19/22 (SCA19). Also called: SPINOCEREBELLAR ATAXIA 22; SPINOCEREBELLAR ATAXIA 19. Identifiers: Orphanet 98772, MedGen C1846367, MONDO:0011819, OMIM 607346.

Allele frequency attached by ClinVar (database versions not stated): gnomAD exomes below 0.00001; TOPMed below 0.00001; ExAC 0.00001.
gnomAD v4.1: 2 of 1,613,436 alleles (0.00012%); highest among the groups gnomAD compares: South Asian, 0.0011%; no homozygotes.

Submissions (5):

Labcorp Genetics (formerly Invitae), Labcorp
Classification: Uncertain significance for Spinocerebellar ataxia type 19/22. Last evaluated: 2025-03-23. Review status: criteria provided, single submitter. Criteria: Invitae Variant Classification Sherloc (09022015). Collection method: clinical testing. Allele origin: germline.
Comment: This sequence change replaces arginine, which is basic and polar, with cysteine, which is neutral and slightly polar, at codon 431 of the KCND3 protein (p.Arg431Cys). The frequency data for this variant in the population databases is considered unreliable, as metrics indicate poor data quality at this position in the gnomAD database. This missense change has been observed in individual(s) with clinical features of KCND3-related condition (PMID: 29062094, 35401678). ClinVar contains an entry for this variant (Variation ID: 1298292). Invitae Evidence Modeling of protein sequence and biophysical properties (such as structural, functional, and spatial information, amino acid conservation, physicochemical variation, residue mobility, and thermodynamic stability) has been performed for this missense variant. However, the output from this modeling did not meet the statistical confidence thresholds required to predict the impact of this variant on KCND3 protein function. In summary, the available evidence is currently insufficient to determine the role of this variant in disease. Therefore, it has been classified as a Variant of Uncertain Significance.

3billion
Classification: Uncertain significance for Spinocerebellar ataxia type 19/22. Last evaluated: 2025-03-16. Review status: criteria provided, single submitter. Criteria: ACMG Guidelines, 2015. Collection method: clinical testing. Allele origin: germline. Affected: yes.

Athena Diagnostics
Classification: Uncertain significance. Last evaluated: 2023-10-18. Review status: criteria provided, single submitter. Criteria: Athena Diagnostics Criteria. Collection method: clinical testing. Allele origin: unknown.
Comment: Available data are insufficient to determine the clinical significance of the variant at this time. The frequency of this variant in the general population is uninformative in assessment of its pathogenicity. This variant has been identified in at least one individual with clinical features associated with this gene. Computational tools predict that this variant is damaging.

Ambry Genetics
Classification: Uncertain significance for Cardiovascular phenotype. Last evaluated: 2022-01-07. Review status: criteria provided, single submitter. Criteria: Ambry Variant Classification Scheme 2023. Collection method: clinical testing. Allele origin: germline.
Comment: The p.R431C variant (also known as c.1291C>T), located in coding exon 3 of the KCND3 gene, results from a C to T substitution at nucleotide position 1291. The arginine at codon 431 is replaced by cysteine, an amino acid with highly dissimilar properties. This variant has been detected in an individual from an episodic ataxia cohort (Choi KD et al. Sci Rep, 2017 10;7:13855). This amino acid position is highly conserved in available vertebrate species. In addition, this alteration is predicted to be deleterious by in silico analysis. Since supporting evidence is limited at this time, the clinical significance of this alteration remains unclear.

O&I group, Department of Genetics, University Medical Center of Groningen
Classification: Likely pathogenic for Spinocerebellar ataxia type 19/22. Last evaluated: 2021-07-22. Review status: no assertion criteria provided. Collection method: research. Allele origin: de novo. Affected: yes. Not counted in ClinVar's aggregate classification.

Literature cited by the submitters: PubMed 29062094 (cited by 3 submitters); PubMed 35401678 (cited by Labcorp Genetics (formerly Invitae), Labcorp and Athena Diagnostics); PubMed 32818936 (cited by 3billion); DOI 10.3389/fgene.2022.782685 (cited by O&I group, Department of Genetics, University Medical Center of Groningen).

NM_001378969.1(KCND3):c.1291C>T (p.Arg431Cys)

Gene: KCND3 (potassium voltage-gated channel subfamily D member 3; minus strand). Cytogenetic location: 1p13.2.
Variant type: single nucleotide variant.
Coding change: c.1291C>T on transcript NM_001378969.1 (MANE Select); coding-DNA position 1291, C replaced by T.
Protein change: p.Arg431Cys; replaces arginine 431 with cysteine.
Molecular consequence: missense variant.
Genome position (GRCh38, 1-based): chr1:111,780,770, G>A on the plus strand (C>T on the coding strand, the complement: KCND3 is on the minus strand). VCF-style: chr1-111780770-G-A. GRCh37 (hg19) VCF-style: chr1-112323392-G-A.
Other names: c.1291C>T, p.Arg431Cys (NM_001378970.1, NM_004980.5, NM_172198.3); short protein forms R431C.
Identifiers: ClinVar variation 1298292 (VCV001298292.7), dbSNP rs777183510, ClinGen allele CA1007475.